The following is an entry in ClinVar:

ClinVar aggregate classification (germline): Conflicting classifications of pathogenicity. Review status: criteria provided, conflicting classifications (1 of 4 stars). 3 submissions from 2 submitters: Uncertain significance (2); Likely benign (1). Last evaluated 2025-12-10.

Conditions:
Inborn genetic diseases. Identifiers: MedGen C0950123, MeSH D030342.
Pseudohypoaldosteronism, type IB1, autosomal recessive. Also called: Pseudohypoaldosteronism, Type I, Autosomal Recessive; PHA I, AUTOSOMAL RECESSIVE; Pseudohypoaldosteronism, Type I, Recessive; Autosomal recessive pseudohypoaldosteronism type 1. Identifiers: Orphanet 171876, Orphanet 756, MedGen C5774176, MONDO:0009917, OMIM 264350.
Bronchiectasis with or without elevated sweat chloride 2 (BESC2). Identifiers: Orphanet 60033, MedGen C2751666, MONDO:0013087, OMIM 613021.

Allele frequency attached by ClinVar (database versions not stated): gnomAD exomes 0.00003 and 0.00004; TOPMed 0.00003; gnomAD 0.00004; ExAC 0.00006.

Submissions (3):

Ambry Genetics
Classification: Uncertain significance for Inborn genetic diseases. Last evaluated: 2025-12-10. Review status: criteria provided, single submitter. Criteria: Ambry Variant Classification Scheme 2023. Collection method: clinical testing. Allele origin: germline.

Illumina Laboratory Services, Illumina
Classification: Uncertain significance for Pseudohypoaldosteronism, type IB1, autosomal recessive. Last evaluated: 2018-01-12. Review status: criteria provided, single submitter. Criteria: ICSL Variant Classification Criteria 13 December 2019. Collection method: clinical testing. Allele origin: germline.

Illumina Laboratory Services, Illumina
Classification: Likely benign for Bronchiectasis with or without elevated sweat chloride 2. Last evaluated: 2018-01-12. Review status: criteria provided, single submitter. Criteria: ICSL Variant Classification Criteria 13 December 2019. Collection method: clinical testing. Allele origin: germline.
Comment: This variant was observed in the ICSL laboratory as part of a predisposition screen in an ostensibly healthy population. It had not been previously curated by ICSL or reported in the Human Gene Mutation Database (HGMD: prior to June 1st, 2018), and was therefore a candidate for classification through an automated scoring system. Utilizing variant allele frequency, disease prevalence and penetrance estimates, and inheritance mode, an automated score was calculated to assess if this variant is too frequent to cause the disease. Based on the score and internal cut-off values, a variant classified as likely benign is not then subjected to further curation. The score for this variant resulted in a classification of likely benign for this disease.

NM_001038.6(SCNN1A):c.1766G>A (p.Arg589Gln)

Gene: SCNN1A (sodium channel epithelial 1 subunit alpha; minus strand). Cytogenetic location: 12p13.31.
Variant type: single nucleotide variant.
Coding change: c.1766G>A on transcript NM_001038.6 (MANE Select); coding-DNA position 1766, G replaced by A.
Protein change: p.Arg589Gln; replaces arginine 589 with glutamine.
Molecular consequence: missense variant.
Genome position (GRCh38, 1-based): chr12:6,348,117, C>T on the plus strand (G>A on the coding strand, the complement: SCNN1A is on the minus strand). VCF-style: chr12-6348117-C-T. GRCh37 (hg19) VCF-style: chr12-6457283-C-T.
Other names: c.1835G>A, p.Arg612Gln (NM_001159575.2); c.1943G>A, p.Arg648Gln (NM_001159576.2); short protein forms R589Q, R648Q, R612Q.
Identifiers: ClinVar variation 310132 (VCV000310132.8), dbSNP rs775290860, ClinGen allele CA6405713.
Genomic context (GRCh38, chr12:6,348,117, plus strand): 5'-AGGGTGGAGGCTACCTCCTGAGCACCCCTGCCCCCTCGGCCTGGAGACCAGTATCGGCTT[C>T]GGAACCTTCGGAGCAGCATGAGGAACATGATGACCAGCAGGTCAAAGACGAGCTCAGCCA-3'
Protein context (NP_001029.1, residues 579-599): IMFLMLLRRF[Arg589Gln]SRYWSPGRGG